The following is an entry in ClinVar:

ClinVar aggregate classification (germline): Likely benign. Review status: criteria provided, multiple submitters, no conflicts (2 of 4 stars). 2 submissions from 2 submitters: Likely benign (2). Last evaluated 2025-10-29.

Conditions:
Epidermolysis bullosa simplex 5B, with muscular dystrophy (EBS5B). Also called: EPIDERMOLYSIS BULLOSA SIMPLEX AND LIMB-GIRDLE MUSCULAR DYSTROPHY; Epidermolysis bullosa simplex with muscular dystrophy. Identifiers: Orphanet 257, MedGen C2931072, MONDO:0009181, OMIM 226670.
Epidermolysis bullosa simplex, Ogna type (EBS5A). Also called: Pidermolysis bullosa simplex 5A, Ogna type; EPIDERMOLYSIS BULLOSA SIMPLEX 5A, OGNA TYPE. Identifiers: Orphanet 79401, MedGen C0432317, MONDO:0007555, OMIM 131950.
Epidermolysis bullosa simplex 5C, with pyloric atresia (EBS5C). Also called: PLEC-Related Epidermolysis Bullosa with Pyloric Atresia; Epidermolysis bullosa simplex with pyloric atresia; PLEC1-Related Epidermolysis Bullosa with Pyloric Atresia. Identifiers: Orphanet 158684, MedGen C2677349, MONDO:0012807, OMIM 612138.
Autosomal recessive limb-girdle muscular dystrophy type 2Q (LGMDR17). Also called: MUSCULAR DYSTROPHY, LIMB-GIRDLE, AUTOSOMAL RECESSIVE 17. Identifiers: Orphanet 254361, MedGen C3150989, MONDO:0013390, OMIM 613723.
Epidermolysis bullosa simplex with nail dystrophy (EBS5D). Identifiers: MedGen C4225309, MONDO:0014661, OMIM 616487.

Allele frequency attached by ClinVar (database versions not stated): gnomAD exomes below 0.00001 and 0.00001; ExAC 0.00001.
gnomAD v4.1: 3 of 1,613,444 alleles (0.00019%); highest among the groups gnomAD compares: Admixed American, 0.0033%; no homozygotes.

Submissions (2):

Labcorp Genetics (formerly Invitae), Labcorp
Classification: Likely benign for Autosomal recessive limb-girdle muscular dystrophy type 2Q; Epidermolysis bullosa simplex, Ogna type; Epidermolysis bullosa simplex with nail dystrophy; Epidermolysis bullosa simplex 5C, with pyloric atresia; Epidermolysis bullosa simplex 5B, with muscular dystrophy. Last evaluated: 2025-10-29. Review status: criteria provided, single submitter. Criteria: Invitae Variant Classification Sherloc (09022015). Collection method: clinical testing. Allele origin: germline.

Mayo Clinic Laboratories, Mayo Clinic
Classification: Likely benign. Last evaluated: 2025-06-16. Review status: criteria provided, single submitter. Criteria: ACMG Guidelines, 2015. Collection method: clinical testing. Allele origin: germline. Observed: 1 variant allele.
Comment: BP4, BP7

NM_201384.3(PLEC):c.10404G>A (p.Gln3468=)

Gene: PLEC (plectin; minus strand). Cytogenetic location: 8q24.3.
Variant type: single nucleotide variant.
Coding change: c.10404G>A on transcript NM_201384.3 (MANE Select); coding-DNA position 10404, G replaced by A.
Protein change: p.Gln3468=; no amino-acid change (glutamine 3468 retained).
Molecular consequence: synonymous variant.
Genome position (GRCh38, 1-based): chr8:143,919,417, C>T on the plus strand (G>A on the coding strand, the complement: PLEC is on the minus strand). VCF-style: chr8-143919417-C-T. GRCh37 (hg19) VCF-style: chr8-144993585-C-T.
Other names: p.Gln3495=; c.10485G>A, p.Gln3495= (NM_000445.5); c.10362G>A, p.Gln3454= (NM_201378.4); c.10338G>A, p.Gln3446= (NM_201379.3); c.10815G>A, p.Gln3605= (NM_201380.4); c.10308G>A, p.Gln3436= (NM_201381.3); c.10404G>A, p.Gln3468= (NM_201382.4); c.10416G>A, p.Gln3472= (NM_201383.3).
Identifiers: ClinVar variation 1617910 (VCV001617910.9), dbSNP rs782438397, ClinGen allele CA4924665.